The following is an entry in ClinVar:

ClinVar aggregate classification (germline): Uncertain significance. Review status: criteria provided, multiple submitters, no conflicts (2 of 4 stars). 2 submissions from 2 submitters: Uncertain significance (2). Last evaluated 2023-11-16.

Allele frequency attached by ClinVar (database versions not stated): TOPMed below 0.00001.

Submissions (2):

GeneDx
Classification: Uncertain significance. Last evaluated: 2023-11-16. Review status: criteria provided, single submitter. Criteria: GeneDx Variant Classification Process June 2021. Collection method: clinical testing. Allele origin: germline. Affected: yes.
Comment: Identified and reported as a variant of uncertain significance in a patient with nonsyndromic hearing loss in published literature (PMID: 34795337); Not observed at significant frequency in large population cohorts (gnomAD); In silico analysis supports that this missense variant has a deleterious effect on protein structure/function; This variant is associated with the following publications: (PMID: 21520338, 31554319, 9590290, 34795337)

Labcorp Genetics (formerly Invitae), Labcorp
Classification: Uncertain significance. Last evaluated: 2022-05-20. Review status: criteria provided, single submitter. Criteria: Invitae Variant Classification Sherloc (09022015). Collection method: clinical testing. Allele origin: germline.
Comment: This variant is not present in population databases (gnomAD no frequency). This sequence change replaces cysteine, which is neutral and slightly polar, with arginine, which is basic and polar, at codon 650 of the TECTA protein (p.Cys650Arg). This variant has not been reported in the literature in individuals affected with TECTA-related conditions. In summary, the available evidence is currently insufficient to determine the role of this variant in disease. Therefore, it has been classified as a Variant of Uncertain Significance. Algorithms developed to predict the effect of missense changes on protein structure and function are either unavailable or do not agree on the potential impact of this missense change (SIFT: "Deleterious"; PolyPhen-2: "Probably Damaging"; Align-GVGD: "Class C0").

NM_005422.4(TECTA):c.1948T>C (p.Cys650Arg)

Genes: TBCEL-TECTA (TBCEL-TECTA readthrough; plus strand), TECTA (tectorin alpha; plus strand). Cytogenetic location: 11q23.3.
Variant type: single nucleotide variant.
Coding change: c.1948T>C on transcript NM_005422.4 (MANE Select); coding-DNA position 1948, T replaced by C.
Protein change: p.Cys650Arg; replaces cysteine 650 with arginine.
Molecular consequence: missense variant.
Genome position (GRCh38, 1-based): chr11:121,127,925, T>C. VCF-style: chr11-121127925-T-C. GRCh37 (hg19) VCF-style: chr11-120998634-T-C.
Other names: c.1948T>C (NM_005422.2); c.2905T>C, p.Cys969Arg (NM_001378761.1); short protein forms C969R, C650R.
Identifiers: ClinVar variation 1996867 (VCV001996867.5), dbSNP rs1946629895, ClinGen allele CA383013825.